The following is an entry in ClinVar:

ClinVar aggregate classification (germline): Likely benign (1 of 4 stars; one submission).

gnomAD v4.1: 418 of 1,609,248 alleles (0.026%); highest among the groups gnomAD compares: South Asian, 0.36%; 7 homozygotes.

Submission:

CeGaT Center for Human Genetics Tuebingen
Classification: Likely benign. Last evaluated: 2026-02-01. Review status: criteria provided, single submitter. Criteria: CeGaT Center For Human Genetics Tuebingen Variant Classification Criteria Version 2. Collection method: clinical testing. Allele origin: germline. Affected: yes. Observed: 1 variant allele.
Comment: CBLC: BP4, BP7

NM_012116.4(CBLC):c.114C>T (p.Ser38=)

Gene: CBLC (Cbl proto-oncogene C; plus strand). Cytogenetic location: 19q13.32.
Variant type: single nucleotide variant.
Coding change: c.114C>T on transcript NM_012116.4 (MANE Select); coding-DNA position 114, C replaced by T.
Protein change: p.Ser38=; no amino-acid change (serine 38 retained).
Molecular consequence: synonymous variant.
Genome position (GRCh38, 1-based): chr19:44,778,045, C>T. VCF-style: chr19-44778045-C-T. GRCh37 (hg19) VCF-style: chr19-45281302-C-T.
Other names: c.114C>T, p.Ser38= (NM_001130852.1).
Identifiers: ClinVar variation 4821149 (VCV004821149.4).
Genomic context (GRCh38, chr19:44,778,045, plus strand): 5'-GGGCCGGGCAGTCAGGATGCTGCAGCGCCTAGAAGAGCAATGCGTCGACCCCCGGCTGTC[C>T]GTGAGTCCCCCTTCGCTGCGGGACCTGCTGCCCCGCACAGCGCAGCTGCTTCGAGAGGTG-3'
Protein context (NP_036248.3, residues 28-48): LEEQCVDPRL[Ser38=]VSPPSLRDLL